The following is an entry in ClinVar:

ClinVar aggregate classification (germline): Pathogenic (1 of 4 stars; one submission).

Submission:

Labcorp Genetics (formerly Invitae), Labcorp
Classification: Pathogenic. Last evaluated: 2026-01-11. Review status: criteria provided, single submitter. Criteria: Invitae Variant Classification Sherloc (09022015). Collection method: clinical testing. Allele origin: germline.
Comment: This sequence change creates a premature translational stop signal (p.Asn152Lysfs*40) in the RARS2 gene. It is expected to result in an absent or disrupted protein product. Loss-of-function variants in RARS2 are known to be pathogenic (PMID: 17847012, 22569581, 26083569). This variant is present in population databases (no rsID available, gnomAD 0.0009%). This premature translational stop signal has been observed in individual(s) with clinical features of pontocerebellar hypoplasia (PMID: 27683254). For these reasons, this variant has been classified as Pathogenic.

Literature cited by the submitters: PubMed 17847012; PubMed 22569581; PubMed 26083569; PubMed 27683254.

NM_020320.5(RARS2):c.452_453insC (p.Asn152fs)

Gene: RARS2 (arginyl-tRNA synthetase 2, mitochondrial; minus strand). Cytogenetic location: 6q15.
Variant type: Insertion.
Coding change: c.452_453insC on transcript NM_020320.5 (MANE Select); coding-DNA positions 452 to 453, C inserted.
Protein change: p.Asn152fs; shifts the reading frame from asparagine 152.
Molecular consequence: frameshift variant. On other transcripts: 5 prime UTR variant (7), non-coding transcript variant (15).
Genome position: GRCh38 VCF-style: chr6-87545698-T-TG. GRCh37 (hg19) VCF-style: chr6-88255416-T-TG.
Other names: c.-74_-73insC (NM_001318785.2, NM_001350506.2, NM_001350507.2 and 4 more transcripts); c.452_453insC, p.Asn152fs (NM_001350505.2); short protein forms N152fs.
Identifiers: ClinVar variation 4747528 (VCV004747528.1).